The following is an entry in ClinVar:

ClinVar aggregate classification (germline): Likely pathogenic (1 of 4 stars; one submission).

Conditions:
Classic homocystinuria. Also called: Homocystinuria due to Cystathionine Beta-Synthase Deficiency; HOMOCYSTINURIA WITH OR WITHOUT RESPONSE TO PYRIDOXINE; Homocystinuria due to CBS deficiency; Cystathionine beta-synthase deficiency; CBS deficiency. Identifiers: Orphanet 394, MedGen C0751202, MONDO:0009352, OMIM 236200.

Submission:

Laboratory for Molecular Medicine, Mass General Brigham Personalized Medicine
Classification: Likely pathogenic for Classic homocystinuria. Last evaluated: 2022-11-03. Review status: criteria provided, single submitter. Criteria: ACMG Guidelines, 2015. Collection method: clinical testing. Allele origin: germline.
Comment: The c.955-2A>C variant in CBS has not been reported in individuals with disease and was absent from large population studies. This variant occurs within the canonical splice site (+/- 1,2) and is predicted to cause altered splicing leading to an abnormal or absent protein. Loss of function of the CBS gene is an established disease mechanism in autosomal recessive Homocystinuria, B6-responsive and nonresponsive types. In summary, although additional studies are required to fully establish its clinical significance, this variant meets criteria to be classified as likely pathogenic for autosomal recessive Homocystinuria, B6-responsive and nonresponsive types. ACMG/AMP Criteria applied: PM2_Supporting, PVS1.

NM_000071.3(CBS):c.955-2A>C

Gene: CBS (cystathionine beta-synthase; minus strand). Cytogenetic location: 21q22.3.
Variant type: single nucleotide variant.
Coding change: c.955-2A>C on transcript NM_000071.3 (MANE Select); the canonical splice acceptor site of the intron before coding-DNA position 955, A replaced by C.
Molecular consequence: splice acceptor variant.
Genome position (GRCh38, 1-based): chr21:43,062,397, T>G on the plus strand (A>C on the coding strand, the complement: CBS is on the minus strand). VCF-style: chr21-43062397-T-G. GRCh37 (hg19) VCF-style: chr21-44482507-T-G.
Other names: c.955-2A>C (NM_001320298.2, NM_001178009.3, NM_001178008.3); c.640-2A>C (NM_001321072.1).
Identifiers: ClinVar variation 3075896 (VCV003075896.1), dbSNP rs2517425362, ClinGen allele CA410599923.